The following is an entry in ClinVar:

NM_000531.6(OTC):c.944T>C (p.Val315Ala)

Gene: OTC (ornithine transcarbamylase; plus strand). Cytogenetic location: Xp11.4.
Variant type: single nucleotide variant.
Coding change: c.944T>C on transcript NM_000531.6 (MANE Select); coding-DNA position 944, T replaced by C.
Protein change: p.Val315Ala; replaces valine 315 with alanine.
Molecular consequence: missense variant.
Genome position (GRCh38, 1-based): chrX:38,411,938, T>C. VCF-style: chrX-38411938-T-C. GRCh37 (hg19) VCF-style: chrX-38271191-T-C.
Other names: short protein forms V315A.
Identifiers: ClinVar variation 870330 (VCV000870330.2), dbSNP rs67414444, ClinGen allele CA412726369.
Genomic context (GRCh38, chrX:38,411,938, plus strand): 5'-CCTCTGACTGGACATTTTTACACTGCTTGCCCAGAAAGCCAGAAGAAGTGGATGATGAAG[T>C]CTTTTATTCTCCTCGATCACTAGTGTTCCCAGAGGCAGAAAACAGAAAGTGGACAATCAT-3'
Protein context (NP_000522.3, residues 305-325): PRKPEEVDDE[Val315Ala]FYSPRSLVFP

ClinVar aggregate classification (germline): Pathogenic (0 of 4 stars; one submission).

Conditions:
Ornithine carbamoyltransferase deficiency (OTCD). Also called: OTC DEFICIENCY; Ornithine Carbamoyltransferase Deficiency Disease; ORNITHINE TRANSCARBAMYLASE DEFICIENCY; ORNITHINE TRANSCARBAMYLASE DEFICIENCY, HYPERAMMONEMIA DUE TO. Identifiers: Orphanet 664, MedGen C0268542, MONDO:0010703, OMIM 311250.

Submission:

Molecular Genetics laboratory, Necker Hospital
Classification: Pathogenic for Ornithine carbamoyltransferase deficiency. Review status: no assertion criteria provided. Collection method: clinical testing. Allele origin: maternal. Inheritance: X-linked inheritance. Affected: yes.